The following is an entry in ClinVar:

NM_000545.8(HNF1A):c.35T>G (p.Leu12Arg)

Gene: HNF1A (HNF1 homeobox A; plus strand). Cytogenetic location: 12q24.31.
Variant type: single nucleotide variant.
Coding change: c.35T>G on transcript NM_000545.8 (MANE Select); coding-DNA position 35, T replaced by G.
Protein change: p.Leu12Arg; replaces leucine 12 with arginine.
Molecular consequence: missense variant.
Genome position (GRCh38, 1-based): chr12:120,978,803, T>G. VCF-style: chr12-120978803-T-G. GRCh37 (hg19) VCF-style: chr12-121416606-T-G.
Other names: NM_001306179.2:c.35T>G; c.35T>G, p.Leu12Arg (NM_001306179.2); short protein forms L12R.
Identifiers: ClinVar variation 1675051 (VCV001675051.4), dbSNP rs2135819422, ClinGen allele CA386952415.

ClinVar aggregate classification (germline): Likely pathogenic (3 of 4 stars; one submission).

Conditions:
Monogenic diabetes. Identifiers: Orphanet 183625, MedGen C3888631, MONDO:0015967.

Submission:

ClinGen Monogenic Diabetes Variant Curation Expert Panel
Classification: Likely pathogenic for Monogenic diabetes. Last evaluated: 2025-06-09. Review status: reviewed by expert panel. Criteria: ClinGen Diabetes ACMG Specifications HNF1A V2.1.0. Collection method: curation. Allele origin: germline. Inheritance: Autosomal dominant inheritance.
Comment: The c.35T>G variant in the HNF1 homeobox A gene, HNF1A, causes an amino acid change of leucine to arginine at codon 12 (p.(Leu12Arg)) of NM_000545.8. This variant is absent from gnomAD v2.1.1 and v4.1 (PM2_Supporting). Additionally, this variant is located within the dimerization domain of HNF1A, which is defined as critical for the protein’s function by the ClinGen MDEP (PM1_Supporting). This variant is predicted to be deleterious by computational evidence, with a REVEL score of 0.9409, which is greater than the MDEP threshold of 0.70 (PP3). While this variant segregated with diabetes with two informative meioses in a single family, this does not meet the thresholds for PP1 set by the ClinGen MDEP (PMID: 27236918; internal lab contributors). Lastly, other missense variants at this same codon, c.34C>G, (p.Leu12Val) and c.34C>T (p.Leu12Phe), have been classified as likely pathogenic by the ClinGen MDEP (PM5_Supporting). In summary, this variant meets the criteria to be classified as likely pathogenic for monogenic diabetes. ACMG/AMP criteria applied, as specified by the ClinGen MDEP (specification version 2.1.1, approved 8/11/2023): PM2_Supporting, PM1_Supporting, PP3, PP4_Moderate, PM5_Supporting.